The following is an entry in ClinVar:

NM_002465.4(MYBPC1):c.2508C>T (p.Leu836=)

Gene: MYBPC1 (myosin binding protein C1; plus strand). Cytogenetic location: 12q23.2.
Variant type: single nucleotide variant.
Coding change: c.2508C>T on transcript NM_002465.4 (MANE Select); coding-DNA position 2508, C replaced by T.
Protein change: p.Leu836=; no amino-acid change (leucine 836 retained).
Molecular consequence: synonymous variant.
Genome position (GRCh38, 1-based): chr12:101,667,883, C>T. VCF-style: chr12-101667883-C-T. GRCh37 (hg19) VCF-style: chr12-102061661-C-T.
Other names: c.2487C>T, p.Leu829= (NM_001254718.3, NM_206820.4); c.2433C>T, p.Leu811= (NM_001254719.3, NM_206821.4); c.2397C>T, p.Leu799= (NM_001254720.3); c.2376C>T, p.Leu792= (NM_001254721.3, NM_001404676.1, NM_001404678.1); c.2355C>T, p.Leu785= (NM_001254722.3, NM_001404680.1); c.2394C>T, p.Leu798= (NM_001254723.3); c.2508C>T, p.Leu836= (NM_001404675.1, NM_206819.4); c.2298C>T, p.Leu766= (NM_001404677.1, NM_001404679.1, NM_001404681.1).
Identifiers: ClinVar variation 306744 (VCV000306744.7), dbSNP rs772332498, ClinGen allele CA6745091.
Genomic context (GRCh38, chr12:101,667,883, plus strand): 5'-TGTGAAGGCTGTTAATGCAGCTGGTGCCAGCGAGCCCAAGTACTATTCTCAGCCCATTCT[C>T]GTGAAGGAAATCATAGGTAGGAGACAAGGCTTTCAAAAGTTAGACTCCATTTTACATGGT-3'
Protein context (NP_002456.2, residues 826-846): SEPKYYSQPI[Leu836=]VKEIIEPPKI

ClinVar aggregate classification (germline): Benign (1 of 4 stars; one submission).

Conditions:
Arthrogryposis, distal, type 1B. Identifiers: Orphanet 1146, MedGen C3280526, MONDO:0013698, OMIM 614335.

Allele frequency attached by ClinVar (database versions not stated): ExAC 0.00002; TOPMed 0.00001; gnomAD exomes 0.00003 and 0.00002; gnomAD 0.00001.
gnomAD v4.1: 27 of 1,613,886 alleles (0.0017%); highest among the groups gnomAD compares: South Asian, 0.013%; no homozygotes.

Submission:

Illumina Laboratory Services, Illumina
Classification: Benign for Arthrogryposis, distal, type 1B. Last evaluated: 2018-01-13. Review status: criteria provided, single submitter. Criteria: ICSL Variant Classification Criteria 13 December 2019. Collection method: clinical testing. Allele origin: germline.
Comment: This variant was observed in the ICSL laboratory as part of a predisposition screen in an ostensibly healthy population. It had not been previously curated by ICSL or reported in the Human Gene Mutation Database (HGMD: prior to June 1st, 2018), and was therefore a candidate for classification through an automated scoring system. Utilizing variant allele frequency, disease prevalence and penetrance estimates, and inheritance mode, an automated score was calculated to assess if this variant is too frequent to cause the disease. Based on the score and internal cut-off values, a variant classified as benign is not then subjected to further curation. The score for this variant resulted in a classification of benign for this disease.